The following is an entry in ClinVar:

ClinVar aggregate classification (germline): Benign/Likely benign. Review status: criteria provided, multiple submitters, no conflicts (2 of 4 stars). 3 submissions from 3 submitters: Benign (1); Likely benign (2). Last evaluated 2025-11-26.

Conditions:
Combined immunodeficiency due to LRBA deficiency. Also called: Common variable immunodeficiency 8, with autoimmunity. Identifiers: Orphanet 445018, MedGen C3553512, MONDO:0013863, OMIM 614700.

Submissions (3):

Labcorp Genetics (formerly Invitae), Labcorp
Classification: Benign for Combined immunodeficiency due to LRBA deficiency. Last evaluated: 2025-11-26. Review status: criteria provided, single submitter. Criteria: Invitae Variant Classification Sherloc (09022015). Collection method: clinical testing. Allele origin: germline.

Mayo Clinic Laboratories, Mayo Clinic
Classification: Likely benign. Last evaluated: 2025-01-13. Review status: criteria provided, single submitter. Criteria: ACMG Guidelines, 2015. Collection method: clinical testing. Allele origin: germline. Observed: 1 variant allele.
Comment: BP3, BP4, BP7

Blueprint Genetics
Classification: Likely benign. Last evaluated: 2024-09-12. Review status: criteria provided, single submitter. Criteria: ACMG Guidelines, 2015. Collection method: clinical testing. Allele origin: germline.

NM_001364905.1(LRBA):c.217-11_217-10dup

Gene: LRBA (LPS responsive beige-like anchor protein; minus strand). Cytogenetic location: 4q31.3.
Variant type: Duplication.
Coding change: c.217-11_217-10dup on transcript NM_001364905.1 (MANE Select); 11 bases into the intron before coding-DNA position 217 through 10 bases into the intron before coding-DNA position 217, 2 bases duplicated (TT; older notation c.217-11_217-10dupTT).
Molecular consequence: intron variant.
Genome position (GRCh38, 1-based): chr4:150,929,075-150,929,076, AA duplicated on the plus strand (TT on the coding strand, the reverse complement: LRBA is on the minus strand); duplicating any 2 consecutive bases within chr4:150,929,075-150,929,086 gives the same sequence; the c. name uses the placement nearest the transcript's 3' end. VCF-style (leftmost placement, unchanged base first): chr4-150929074-G-GAA. GRCh37 (hg19) VCF-style: chr4-151850226-G-GAA.
Other names: p.?; c.217-11_217-10dup (NM_001367550.1, NM_006726.5, NM_001199282.3 and 2 more transcripts); c.217-11_217-10dupTT (NM_006726.4).
Identifiers: ClinVar variation 712705 (VCV000712705.12), dbSNP rs766044503, ClinGen allele CA3103925.